The following is an entry in ClinVar:

NM_000751.3(CHRND):c.211del (p.Glu71fs)

Gene: CHRND (cholinergic receptor nicotinic delta subunit; plus strand). Cytogenetic location: 2q37.1.
Variant type: Deletion.
Coding change: c.211del on transcript NM_000751.3 (MANE Select); coding-DNA position 211, one base deleted (G; older notation c.211delG).
Protein change: p.Glu71fs; shifts the reading frame from glutamic acid 71.
Molecular consequence: frameshift variant. On other transcripts: 5 prime UTR variant (2), intron variant (1).
Genome position (GRCh38, 1-based): chr2:232,527,413, G deleted; the last of 2 consecutive G bases (chr2:232,527,412-232,527,413); deleting either gives the same sequence. VCF-style (leftmost placement, unchanged base first): chr2-232527411-AG-A. GRCh37 (hg19) VCF-style: chr2-233392121-AG-A.
Other names: c.-61del (NM_001311195.2, NM_001311196.2); c.198+739del (NM_001256657.2); short protein forms E71fs.
Identifiers: ClinVar variation 2191909 (VCV002191909.4), dbSNP rs775873824, ClinGen allele CA2167945.

ClinVar aggregate classification (germline): Pathogenic (1 of 4 stars; one submission).

Conditions:
Lethal multiple pterygium syndrome (LMPS). Identifiers: Orphanet 33108, MedGen C1854678, MONDO:0009668, OMIM 253290.

Submission:

Labcorp Genetics (formerly Invitae), Labcorp
Classification: Pathogenic for Lethal multiple pterygium syndrome. Last evaluated: 2023-11-27. Review status: criteria provided, single submitter. Criteria: Invitae Variant Classification Sherloc (09022015). Collection method: clinical testing. Allele origin: germline.
Comment: This sequence change creates a premature translational stop signal (p.Glu71Argfs*9) in the CHRND gene. It is expected to result in an absent or disrupted protein product. Loss-of-function variants in CHRND are known to be pathogenic (PMID: 11435464, 25264167). This variant is present in population databases (rs775873824, gnomAD 0.006%). This variant has not been reported in the literature in individuals affected with CHRND-related conditions. ClinVar contains an entry for this variant (Variation ID: 2191909). Algorithms developed to predict the effect of sequence changes on RNA splicing suggest that this variant may disrupt the consensus splice site. For these reasons, this variant has been classified as Pathogenic.

Literature cited by the submitters: PubMed 11435464; PubMed 25264167.